The following is an entry in ClinVar:

ClinVar aggregate classification (germline): Uncertain significance (1 of 4 stars; one submission).

Conditions:
Hajdu-Cheney syndrome (HJCYS). Also called: ACROOSTEOLYSIS WITH OSTEOPOROSIS AND CHANGES IN SKULL AND MANDIBLE; Acroosteolysis dominant type; SERPENTINE FIBULA-POLYCYSTIC KIDNEY SYNDROME. Identifiers: Orphanet 955, MedGen C0917715, MONDO:0007057, OMIM 102500.

Submission:

Labcorp Genetics (formerly Invitae), Labcorp
Classification: Uncertain significance for Hajdu-Cheney syndrome. Last evaluated: 2023-10-17. Review status: criteria provided, single submitter. Criteria: Invitae Variant Classification Sherloc (09022015). Collection method: clinical testing. Allele origin: germline.
Comment: This sequence change replaces isoleucine, which is neutral and non-polar, with leucine, which is neutral and non-polar, at codon 707 of the NOTCH2 protein (p.Ile707Leu). This variant is not present in population databases (gnomAD no frequency). This variant has not been reported in the literature in individuals affected with NOTCH2-related conditions. Advanced modeling of protein sequence and biophysical properties (such as structural, functional, and spatial information, amino acid conservation, physicochemical variation, residue mobility, and thermodynamic stability) performed at Invitae indicates that this missense variant is not expected to disrupt NOTCH2 protein function. In summary, the available evidence is currently insufficient to determine the role of this variant in disease. Therefore, it has been classified as a Variant of Uncertain Significance.

NM_024408.4(NOTCH2):c.2119A>T (p.Ile707Leu)

Gene: NOTCH2 (notch receptor 2; minus strand). Cytogenetic location: 1p12.
Variant type: single nucleotide variant.
Coding change: c.2119A>T on transcript NM_024408.4 (MANE Select); coding-DNA position 2119, A replaced by T.
Protein change: p.Ile707Leu; replaces isoleucine 707 with leucine.
Molecular consequence: missense variant.
Genome position (GRCh38, 1-based): chr1:119,955,140, T>A on the plus strand (A>T on the coding strand, the complement: NOTCH2 is on the minus strand). VCF-style: chr1-119955140-T-A. GRCh37 (hg19) VCF-style: chr1-120497763-T-A.
Other names: c.2119A>T, p.Ile707Leu (NM_001200001.2); short protein forms I707L.
Identifiers: ClinVar variation 2769530 (VCV002769530.3), dbSNP rs2526258459, ClinGen allele CA341866510.